The following is an entry in ClinVar:

NM_000548.5(TSC2):c.4005+10G>T

Gene: TSC2 (TSC complex subunit 2; plus strand). Cytogenetic location: 16p13.3.
Variant type: single nucleotide variant.
Coding change: c.4005+10G>T on transcript NM_000548.5 (MANE Select); 10 bases into the intron after coding-DNA position 4005, G replaced by T.
Molecular consequence: intron variant.
Genome position (GRCh38, 1-based): chr16:2,083,826, G>T. VCF-style: chr16-2083826-G-T. GRCh37 (hg19) VCF-style: chr16-2133827-G-T.
Other names: c.4005+10G>T (NM_000548.3, NM_000548.4); c.3936+10G>T (NM_001114382.3); c.3876+10G>T (NM_021055.3, NM_001370405.1); c.3807+10G>T (NM_001363528.2); c.3873+10G>T (NM_001370404.1); c.3804+10G>T (NM_001077183.3); c.3696+10G>T (NM_001318827.2); c.3273+10G>T (NM_001318831.2); and 2 more.
Identifiers: ClinVar variation 1114449 (VCV001114449.14), dbSNP rs2090437677, ClinGen allele CA2202042665.

ClinVar aggregate classification (germline): Conflicting classifications of pathogenicity. Review status: criteria provided, conflicting classifications (1 of 4 stars). 5 submissions from 5 submitters: Uncertain significance (1); Likely benign (3). 1 of the submissions does not count toward it. Last evaluated 2026-02-02.

Conditions:
TSC2-related disorder. Also called: TSC2-Related Disorders; TSC2-related condition.
Tuberous sclerosis 2 (TSC2). Identifiers: Orphanet 805, MedGen C1860707, MONDO:0013199, OMIM 613254.

gnomAD v4.1: 4 of 1,609,410 alleles (0.00025%); no homozygotes.

Submissions (5):

Labcorp Genetics (formerly Invitae), Labcorp
Classification: Likely benign for Tuberous sclerosis 2. Last evaluated: 2026-02-02. Review status: criteria provided, single submitter. Criteria: Invitae Variant Classification Sherloc (09022015). Collection method: clinical testing. Allele origin: germline.

Quest Diagnostics Nichols Institute San Juan Capistrano
Classification: Uncertain significance. Last evaluated: 2025-10-24. Review status: criteria provided, single submitter. Criteria: Quest Diagnostics criteria. Collection method: clinical testing. Allele origin: unknown.

Myriad Genetics, Inc.
Classification: Likely benign for Tuberous sclerosis 2. Last evaluated: 2025-06-02. Review status: criteria provided, single submitter. Criteria: Myriad Autosomal Dominant, Autosomal Recessive and X-Linked Classification Criteria (2023). Collection method: clinical testing. Allele origin: unknown.
Comment: This variant is considered likely benign. This variant is intronic and is not expected to impact mRNA splicing.

Blueprint Genetics
Classification: Likely benign. Last evaluated: 2024-11-25. Review status: criteria provided, single submitter. Criteria: ACMG Guidelines, 2015. Collection method: clinical testing. Allele origin: germline.

PreventionGenetics, part of Exact Sciences
Classification: Likely benign for TSC2-related condition. Last evaluated: 2021-01-22. Review status: no assertion criteria provided. Collection method: clinical testing. Allele origin: germline. Not counted in ClinVar's aggregate classification.
Comment: This variant is classified as likely benign based on ACMG/AMP sequence variant interpretation guidelines (Richards et al. 2015 PMID: 25741868, with internal and published modifications).